The following is an entry in ClinVar:

ClinVar aggregate classification (germline): Benign (1 of 4 stars; one submission).

Conditions:
Leigh syndrome (NULS). Also called: Leigh's necrotizing encephalopathy; Leigh's disease; Leigh Syndrome (mtDNA deletion); Leigh Disease; Subacute necrotizing encephalopathy; Necrotizing encephalopathy infantile subacute of Leigh. Identifiers: Orphanet 506, MedGen C2931891, MONDO:0009723, OMIM 256000.

Submission:

Wong Mito Lab, Molecular and Human Genetics, Baylor College of Medicine
Classification: Benign for Leigh syndrome. Last evaluated: 2019-10-17. Review status: criteria provided, single submitter. Criteria: Modified ACMG Guidelines (Unpublished). Collection method: clinical testing. Allele origin: germline.
Comment: The NC_012920.1:m.6891A>G (YP_003024028.1:p.Ser330Gly) variant in MTCO1 gene is interpretated to be a Benign variant based on the modified ACMG guidelines (unpublished). This variant meets the following evidence codes: BS1, BS4

NC_012920.1(MT-CO1):m.6891A>G

Gene: MT-CO1 (mitochondrially encoded cytochrome c oxidase I; plus strand).
Variant type: single nucleotide variant.
Genome position: chrM-6891-A-G.
Identifiers: ClinVar variation 692680 (VCV000692680.1), dbSNP rs879091068, ClinGen allele CA337097519.